The following is an entry in ClinVar:

ClinVar aggregate classification (germline): Uncertain significance. Review status: criteria provided, multiple submitters, no conflicts (2 of 4 stars). 2 submissions from 2 submitters: Uncertain significance (2). Last evaluated 2024-02-12.

Conditions:
Hypertrophic cardiomyopathy 1 (CMH1). Also called: Familial hypertrophic cardiomyopathy 1; MYH7-Related Familial Hypertrophic Cardiomyopathy. Identifiers: MedGen C3495498, MONDO:0008647, OMIM 192600.

Allele frequency attached by ClinVar (database versions not stated): gnomAD exomes below 0.00001; TOPMed below 0.00001.
gnomAD v4.1: 5 of 1,612,616 alleles (0.00031%); highest among the groups gnomAD compares: Admixed American, 0.0017%; no homozygotes.

Submissions (2):

Ambry Genetics
Classification: Uncertain significance. Last evaluated: 2024-02-12. Review status: criteria provided, single submitter. Criteria: Ambry Variant Classification Scheme 2023. Collection method: clinical testing. Allele origin: germline.

Labcorp Genetics (formerly Invitae), Labcorp
Classification: Uncertain significance for Hypertrophic cardiomyopathy 1. Last evaluated: 2023-05-23. Review status: criteria provided, single submitter. Criteria: Invitae Variant Classification Sherloc (09022015). Collection method: clinical testing. Allele origin: germline.
Comment: This variant has not been reported in the literature in individuals affected with MYLK2-related conditions. This variant is not present in population databases (gnomAD no frequency). This sequence change replaces glycine, which is neutral and non-polar, with glutamic acid, which is acidic and polar, at codon 595 of the MYLK2 protein (p.Gly595Glu). ClinVar contains an entry for this variant (Variation ID: 1024040). In summary, the available evidence is currently insufficient to determine the role of this variant in disease. Therefore, it has been classified as a Variant of Uncertain Significance. An algorithm developed to predict the effect of missense changes on protein structure and function (PolyPhen-2) suggests that this variant is likely to be disruptive.

NM_033118.4(MYLK2):c.1784G>A (p.Gly595Glu)

Gene: MYLK2 (myosin light chain kinase 2; plus strand). Cytogenetic location: 20q11.21.
Variant type: single nucleotide variant.
Coding change: c.1784G>A on transcript NM_033118.4 (MANE Select); coding-DNA position 1784, G replaced by A.
Protein change: p.Gly595Glu; replaces glycine 595 with glutamic acid.
Molecular consequence: missense variant.
Genome position (GRCh38, 1-based): chr20:31,833,790, G>A. VCF-style: chr20-31833790-G-A. GRCh37 (hg19) VCF-style: chr20-30421593-G-A.
Other names: c.1784G>A (NM_033118.3); short protein forms G595E.
Identifiers: ClinVar variation 1024040 (VCV001024040.9), dbSNP rs2062319347, ClinGen allele CA408528670.